The following is an entry in ClinVar:

ClinVar aggregate classification (germline): Uncertain significance (1 of 4 stars; one submission).

gnomAD v4.1: 3 of 1,613,878 alleles (0.00019%); highest among the groups gnomAD compares: Non-Finnish European, 0.00025%; no homozygotes.

Submission:

Ambry Genetics
Classification: Uncertain significance. Last evaluated: 2025-01-30. Review status: criteria provided, single submitter. Criteria: Ambry Variant Classification Scheme 2023. Collection method: clinical testing. Allele origin: germline.
Comment: The p.G422E variant (also known as c.1265G>A), located in coding exon 1 of the TET2 gene, results from a G to A substitution at nucleotide position 1265. The glycine at codon 422 is replaced by glutamic acid, an amino acid with similar properties. This amino acid position is conserved. In addition, this alteration is predicted to be tolerated by in silico analysis. Based on the available evidence, the clinical significance of this variant remains unclear.

NM_001127208.3(TET2):c.1265G>A (p.Gly422Glu)

Genes: TET2 (tet methylcytosine dioxygenase 2; plus strand), TET2-AS1 (TET2 antisense RNA 1; minus strand). Cytogenetic location: 4q24.
Variant type: single nucleotide variant.
Coding change: c.1265G>A on transcript NM_001127208.3 (MANE Select); coding-DNA position 1265, G replaced by A.
Protein change: p.Gly422Glu; replaces glycine 422 with glutamic acid.
Molecular consequence: missense variant.
Genome position (GRCh38, 1-based): chr4:105,235,207, G>A. VCF-style: chr4-105235207-G-A. GRCh37 (hg19) VCF-style: chr4-106156364-G-A.
Other names: c.1265G>A, p.Gly422Glu (NM_017628.4); short protein forms G422E.
Identifiers: ClinVar variation 3806015 (VCV003806015.1).
Genomic context (GRCh38, chr4:105,235,207, plus strand): 5'-CACAATTGCTTCTTTCTCCCCCTCCTCCTCTTCCACAGGTTCCTCAGCTTCCTTCAGAAG[G>A]AAAAAGCACTCTGAATGGTGGAGTTTTAGAAGAACACCACCACTACCCCAACCAAAGTAA-3'
Protein context (NP_001120680.1, residues 412-432): LPQVPQLPSE[Gly422Glu]KSTLNGGVLE